The following is an entry in ClinVar:

ClinVar aggregate classification (germline): Uncertain significance (1 of 4 stars; one submission).

Submission:

Women's Health and Genetics/Laboratory Corporation of America, LabCorp
Classification: Uncertain significance. Last evaluated: 2026-05-26. Review status: criteria provided, single submitter. Criteria: LabCorp Variant Classification Summary - May 2015. Collection method: clinical testing. Allele origin: germline.
Comment: Variant summary: KMT2B c.1369C>G (p.Pro457Ala) results in a non-conservative amino acid change in the encoded protein sequence. Algorithms developed to predict the effect of missense changes on protein structure and function are either unavailable or do not agree on the potential impact of this missense change. The variant was absent in 84018 control chromosomes. The available data on variant occurrences in the general population are insufficient to allow any conclusion about variant significance. To our knowledge, no occurrence of c.1369C>G in individuals affected with KMT2B-related conditions and no experimental evidence demonstrating its impact on protein function have been reported. No submitters have cited clinical-significance assessments for this variant to ClinVar. Based on the evidence outlined above, the variant was classified as uncertain significance.

NM_014727.3(KMT2B):c.1369C>G (p.Pro457Ala)

Gene: KMT2B (lysine methyltransferase 2B; plus strand). Cytogenetic location: 19q13.12.
Variant type: single nucleotide variant.
Coding change: c.1369C>G on transcript NM_014727.3 (MANE Select); coding-DNA position 1369, C replaced by G.
Protein change: p.Pro457Ala; replaces proline 457 with alanine.
Molecular consequence: missense variant.
Genome position (GRCh38, 1-based): chr19:35,720,716, C>G. VCF-style: chr19-35720716-C-G. GRCh37 (hg19) VCF-style: chr19-36211618-C-G.
Other names: short protein forms P457A.
Identifiers: ClinVar variation 4853686 (VCV004853686.1).